The following is an entry in ClinVar:

NM_012233.3(RAB3GAP1):c.1327-150T>C

Gene: RAB3GAP1 (RAB3 GTPase activating protein catalytic subunit 1; plus strand). Cytogenetic location: 2q21.3.
Variant type: single nucleotide variant.
Coding change: c.1327-150T>C on transcript NM_012233.3 (MANE Select); 150 bases into the intron before coding-DNA position 1327, T replaced by C.
Molecular consequence: intron variant.
Genome position (GRCh38, 1-based): chr2:135,133,711, T>C. VCF-style: chr2-135133711-T-C. GRCh37 (hg19) VCF-style: chr2-135891281-T-C.
Other names: c.1327-150T>C (NM_001172435.2).
Identifiers: ClinVar variation 678394 (VCV000678394.1), dbSNP rs72978379, ClinGen allele CA56570285.

ClinVar aggregate classification (germline): Benign (1 of 4 stars; one submission).

Allele frequency attached by ClinVar (database versions not stated): gnomAD exomes 0.00519; gnomAD 0.04576 and 0.04896; TOPMed 0.05140; 1000 Genomes Project 0.05232; 1000 Genomes Project 30x 0.05637.
gnomAD v4.1: 9,597 of 640,322 alleles (1.5%); highest among the groups gnomAD compares: African/African-American, 16%; 712 homozygotes.

Submission:

GeneDx
Classification: Benign. Last evaluated: 2018-06-14. Review status: criteria provided, single submitter. Criteria: GeneDx Variant Classification (06012015). Collection method: clinical testing. Allele origin: germline. Affected: yes.
Comment: This variant is considered likely benign or benign based on one or more of the following criteria: it is a conservative change, it occurs at a poorly conserved position in the protein, it is predicted to be benign by multiple in silico algorithms, and/or has population frequency not consistent with disease.